The following is an entry in ClinVar:

NM_000021.4(PSEN1):c.*1867ACAG[1]

Gene: PSEN1 (presenilin 1; plus strand). Cytogenetic location: 14q24.2.
Variant type: Microsatellite.
Coding change: c.*1867ACAG[1] on transcript NM_000021.4 (MANE Select); one copy of the 4-base unit ACAG starting at c.*1867; the reference has two copies in a row; one copy, 4 bases deleted.
Molecular consequence: 3 prime UTR variant.
Genome position (GRCh38, 1-based): chr14:73,221,160-73,221,163, ACAG deleted; deleting any 4 consecutive bases within chr14:73,221,156-73,221,163 gives the same sequence; the position shown is the placement nearest the transcript's 3' end. VCF-style (leftmost placement, unchanged base first): chr14-73221155-CACAG-C. GRCh37 (hg19) VCF-style: chr14-73687863-CACAG-C.
Other names: c.*1867ACAG[1] (NM_007318.3).
Identifiers: ClinVar variation 313975 (VCV000313975.36), dbSNP rs563773430, ClinGen allele CA10635167.
Genomic context (GRCh38, chr14:73,221,155, plus strand): 5'-CAAGAGTAGTGTGCGAGTACTGATCTGAATTTAAATTAAAATTGGCTTATATTAGGCAGT[CACAG>C]ACAGGAAAAATAAGAGCTATGCAAAGAAAGGGGGATTTAAAGTAGTAGGTTCTATCATCT-3'

ClinVar aggregate classification (germline): Benign (1 of 4 stars; one submission).

Submission:

CeGaT Center for Human Genetics Tuebingen
Classification: Benign. Last evaluated: 2022-05-01. Review status: criteria provided, single submitter. Criteria: CeGaT Center For Human Genetics Tuebingen Variant Classification Criteria Version 2. Collection method: clinical testing. Allele origin: germline. Affected: yes. Observed: 2 variant alleles.
Comment: PSEN1: BS1, BS2